The following is an entry in ClinVar:

NM_032043.3(BRIP1):c.2377C>T (p.Gln793Ter)

Gene: BRIP1 (BRCA1 interacting DNA helicase 1; minus strand). Cytogenetic location: 17q23.2.
Variant type: single nucleotide variant.
Coding change: c.2377C>T on transcript NM_032043.3 (MANE Select); coding-DNA position 2377, C replaced by T.
Protein change: p.Gln793Ter; replaces glutamine 793 with a stop codon.
Molecular consequence: nonsense.
Genome position (GRCh38, 1-based): chr17:61,743,015, G>A on the plus strand (C>T on the coding strand, the complement: BRIP1 is on the minus strand). VCF-style: chr17-61743015-G-A. GRCh37 (hg19) VCF-style: chr17-59820376-G-A.
Other names: short protein forms Q793*.
Identifiers: ClinVar variation 142595 (VCV000142595.18), dbSNP rs587782574, ClinGen allele CA168781.

ClinVar aggregate classification (germline): Pathogenic/Likely pathogenic. Review status: criteria provided, multiple submitters, no conflicts (2 of 4 stars). 7 submissions from 7 submitters: Pathogenic (5); Likely pathogenic (1). 1 of the submissions does not count toward it. Last evaluated 2025-06-30.

Conditions:
Ovarian cancer. Also called: OVARIAN CANCER, SOMATIC. Identifiers: Orphanet 213500, MedGen C1140680, MONDO:0008170, OMIM 167000.
Fanconi anemia complementation group J. Also called: BRIP1-Related Fanconi Anemia. Identifiers: Orphanet 84, MedGen C1836860, MONDO:0012187, OMIM 609054.
Familial cancer of breast. Also called: Hereditary breast cancer; hereditary breast carcinoma; BREAST CANCER, FAMILIAL. Identifiers: Orphanet 227535, MedGen C0346153, MONDO:0016419, OMIM 114480. Disease mechanism: loss of function.
Hereditary cancer-predisposing syndrome. Also called: Neoplastic Syndromes, Hereditary; Hereditary Cancer Syndrome; Hereditary neoplastic syndrome; Tumor predisposition. Identifiers: Orphanet 140162, MedGen C0027672, MeSH D009386, MONDO:0015356.

Allele frequency attached by ClinVar (database versions not stated): gnomAD exomes below 0.00001; ExAC 0.00001; gnomAD 0.00001; TOPMed 0.00001.

Submissions (7):

Labcorp Genetics (formerly Invitae), Labcorp
Classification: Pathogenic for Familial cancer of breast; Fanconi anemia complementation group J. Last evaluated: 2025-06-30. Review status: criteria provided, single submitter. Criteria: Invitae Variant Classification Sherloc (09022015). Collection method: clinical testing. Allele origin: germline.
Comment: This sequence change creates a premature translational stop signal (p.Gln793*) in the BRIP1 gene. It is expected to result in an absent or disrupted protein product. Loss-of-function variants in BRIP1 are known to be pathogenic (PMID: 16116423, 17033622, 21964575). This variant is present in population databases (rs587782574, gnomAD 0.007%). This premature translational stop signal has been observed in individual(s) with breast cancer (PMID: 24763289, 29752822). ClinVar contains an entry for this variant (Variation ID: 142595). Algorithms developed to predict the effect of sequence changes on RNA splicing suggest that this variant may disrupt the consensus splice site. For these reasons, this variant has been classified as Pathogenic.

Ambry Genetics
Classification: Pathogenic for Hereditary cancer-predisposing syndrome. Last evaluated: 2023-04-06. Review status: criteria provided, single submitter. Criteria: Ambry Variant Classification Scheme 2023. Collection method: clinical testing. Allele origin: germline.
Comment: The p.Q793* pathogenic mutation (also known as c.2377C>T), located in coding exon 15 of the BRIP1 gene, results from a C to T substitution at nucleotide position 2377. This changes the amino acid from a glutamine to a stop codon within coding exon 15. In one study, this alteration was detected in 1/937 Chinese breast cancer patients (Li JY et al. Int. J. Cancer, 2019 01;144:281-289). Another study detected this mutation in 0/3030 pancreatic cancer cases, 1/123136 population controls from the Genome Aggregation Database (gnomAD) and 1/53105 population controls from the Exome Aggregation Consortium (ExAC) (Hu C et al. JAMA, 2018 06;319:2401-2409). In addition to the clinical data presented in the literature, this alteration is expected to result in loss of function by premature protein truncation or nonsense-mediated mRNA decay. As such, this alteration is interpreted as a disease-causing mutation.

Myriad Genetics, Inc.
Classification: Pathogenic for Familial cancer of breast. Last evaluated: 2023-03-01. Review status: criteria provided, single submitter. Criteria: Myriad Autosomal Dominant, Autosomal Recessive and X-Linked Classification Criteria (2023). Collection method: clinical testing. Allele origin: unknown.
Comment: This variant is considered pathogenic. This variant creates a termination codon and is predicted to result in premature protein truncation.

Baylor Genetics
Classification: Pathogenic for Familial cancer of breast. Last evaluated: 2022-05-13. Review status: criteria provided, single submitter. Criteria: ACMG Guidelines, 2015. Collection method: clinical testing. Allele origin: unknown.

Sema4
Classification: Likely pathogenic for Hereditary cancer-predisposing syndrome. Last evaluated: 2021-07-21. Review status: criteria provided, single submitter. Criteria: Sema4 Curation Guidelines. Collection method: curation. Allele origin: germline.
Comment: The BRIP1 c.2377C>T (p.Q793X) variant has been reported in at least one individual who underwent hereditary cancer multigene panel testing (PMID: 24763289) and in a patient with breast cancer (PMID 29752822). This nonsense variant creates a premature stop codon at residue 793 of the BRIP1 protein. This variant is predicted to cause loss of normal protein function either through protein truncation or nonsense-mediated mRNA decay. This variant was observed in 1/251286 chromosomes in the Genome Aggregation Database (PMID: 27535533). Based on the current evidence available, this variant is interpreted as likely pathogenic.

GeneDx
Classification: Pathogenic. Last evaluated: 2021-03-30. Review status: criteria provided, single submitter. Criteria: GeneDx Variant Classification Process June 2021. Collection method: clinical testing. Allele origin: germline. Affected: yes.
Comment: Nonsense variant predicted to result in protein truncation or nonsense mediated decay in a gene for which loss-of-function is a known mechanism of disease; Not observed at a significant frequency in large population cohorts (Lek 2016); Observed in individuals with personal and/or family history of breast and/or ovarian cancer (Li 2019); This variant is associated with the following publications: (PMID: 29922827, 24763289, 28152038, 29752822)

Counsyl
Classification: Likely pathogenic for Fanconi anemia complementation group J; Ovarian cancer. Last evaluated: 2018-02-09. Review status: no assertion criteria provided. Collection method: clinical testing. Allele origin: unknown. Not counted in ClinVar's aggregate classification.

Literature cited by the submitters: PubMed 16116423 (cited by Labcorp Genetics (formerly Invitae), Labcorp); PubMed 17033622 (cited by Labcorp Genetics (formerly Invitae), Labcorp); PubMed 21964575 (cited by Labcorp Genetics (formerly Invitae), Labcorp); PubMed 24763289 (cited by 3 submitters); PubMed 29752822 (cited by 3 submitters); PubMed 29922827 (cited by Ambry Genetics).